The following is an entry in ClinVar:

ClinVar aggregate classification (germline): Pathogenic (1 of 4 stars; one submission).

Submission:

Labcorp Genetics (formerly Invitae), Labcorp
Classification: Pathogenic. Last evaluated: 2025-06-09. Review status: criteria provided, single submitter. Criteria: Invitae Variant Classification Sherloc (09022015). Collection method: clinical testing. Allele origin: germline.
Comment: This sequence change creates a premature translational stop signal (p.Gln1680Alafs*61) in the ANK1 gene. It is expected to result in an absent or disrupted protein product. Loss-of-function variants in ANK1 are known to be pathogenic (PMID: 8640229). This variant is not present in population databases (gnomAD no frequency). This variant has not been reported in the literature in individuals affected with ANK1-related conditions. For these reasons, this variant has been classified as Pathogenic.

Literature cited by the submitters: PubMed 8640229.

NM_000037.4(ANK1):c.5037dup (p.Gln1680fs)

Gene: ANK1 (ankyrin 1; minus strand). Cytogenetic location: 8p11.21.
Variant type: Duplication.
Coding change: c.5037dup on transcript NM_000037.4 (MANE Select); coding-DNA position 5037, one base duplicated (G; older notation c.5037dupG).
Protein change: p.Gln1680fs; shifts the reading frame from glutamine 1680.
Molecular consequence: frameshift variant.
Genome position (GRCh38, 1-based): chr8:41,672,413, C duplicated on the plus strand (G on the coding strand, the reverse complement: ANK1 is on the minus strand); the first of 5 consecutive C bases (chr8:41,672,413-41,672,417); duplicating any one gives the same sequence. VCF-style (leftmost placement, unchanged base first): chr8-41672412-G-GC. GRCh37 (hg19) VCF-style: chr8-41529930-G-GC.
Other names: c.5160dup, p.Gln1721fs (NM_001142446.2); c.5037dup, p.Gln1680fs (NM_020475.3, NM_020476.3); c.4551dup, p.Gln1518fs (NM_020477.3); short protein forms Q1518fs, Q1680fs, Q1721fs.
Identifiers: ClinVar variation 4721095 (VCV004721095.1).